The following is an entry in ClinVar:

NM_014317.5(PDSS1):c.104_112del (p.Ser35_Ala38delinsThr)

Gene: PDSS1 (decaprenyl diphosphate synthase subunit 1; plus strand). Cytogenetic location: 10p12.1.
Variant type: Deletion.
Coding change: c.104_112del on transcript NM_014317.5 (MANE Select); coding-DNA positions 104 to 112, 9 bases deleted (GCGCCGCTG; older notation c.104_112delGCGCCGCTG).
Protein change: p.Ser35_Ala38delinsThr.
Molecular consequence: inframe indel. On other transcripts: 5 prime UTR variant (1).
Genome position (GRCh38, 1-based): chr10:26,697,815-26,697,823, GCGCCGCTG deleted. VCF-style (leftmost placement, unchanged base first): chr10-26697814-AGCGCCGCTG-A. GRCh37 (hg19) VCF-style: chr10-26986743-AGCGCCGCTG-A.
Other names: c.104_112del, p.Ser35_Ala38delinsThr (NM_001321978.2); c.-490_-482del (NM_001321979.2).
Identifiers: ClinVar variation 1930510 (VCV001930510.3), dbSNP rs1281749239, ClinGen allele CA663337966.

ClinVar aggregate classification (germline): Uncertain significance (1 of 4 stars; one submission).

Allele frequency attached by ClinVar (database versions not stated): TOPMed below 0.00001; gnomAD 0.00002.

Submission:

Labcorp Genetics (formerly Invitae), Labcorp
Classification: Uncertain significance. Last evaluated: 2022-01-21. Review status: criteria provided, single submitter. Criteria: Invitae Variant Classification Sherloc (09022015). Collection method: clinical testing. Allele origin: germline.
Comment: In summary, the available evidence is currently insufficient to determine the role of this variant in disease. Therefore, it has been classified as a Variant of Uncertain Significance. Experimental studies and prediction algorithms are not available or were not evaluated, and the functional significance of this variant is currently unknown. This variant has not been reported in the literature in individuals affected with PDSS1-related conditions. This variant is not present in population databases (gnomAD no frequency). This variant, c.104_112del, is a complex sequence change that results in the deletion of 4 and insertion of 1 amino acid(s) in the PDSS1 protein (p.Ser35_Ala38delinsThr).